The following is an entry in ClinVar:

ClinVar aggregate classification (germline): Uncertain significance (1 of 4 stars; one submission).

gnomAD v4.1: 3 of 1,558,844 alleles (0.00019%); highest among the groups gnomAD compares: African/African-American, 0.0014%; no homozygotes.

Submission:

Women's Health and Genetics/Laboratory Corporation of America, LabCorp
Classification: Uncertain significance. Last evaluated: 2025-07-25. Review status: criteria provided, single submitter. Criteria: LabCorp Variant Classification Summary - May 2015. Collection method: clinical testing. Allele origin: germline.
Comment: Variant summary: POLRMT c.2807G>A (p.Arg936His) results in a non-conservative amino acid change in the encoded protein sequence. Algorithms developed to predict the effect of missense changes on protein structure and function are either unavailable or do not agree on the potential impact of this missense change. The frequency data for this variant in gnomAD is considered unreliable, as metrics indicate poor data quality at this position. To our knowledge, no occurrence of c.2807G>A in individuals affected with Combined Oxidative Phosphorylation Deficiency 55 and no experimental evidence demonstrating its impact on protein function have been reported. No submitters have cited clinical-significance assessments for this variant to ClinVar. Based on the evidence outlined above, the variant was classified as uncertain significance.

NM_005035.4(POLRMT):c.2807G>A (p.Arg936His)

Gene: POLRMT (RNA polymerase mitochondrial; minus strand). Cytogenetic location: 19p13.3.
Variant type: single nucleotide variant.
Coding change: c.2807G>A on transcript NM_005035.4 (MANE Select); coding-DNA position 2807, G replaced by A.
Protein change: p.Arg936His; replaces arginine 936 with histidine.
Molecular consequence: missense variant. On other transcripts: non-coding transcript variant (1).
Genome position (GRCh38, 1-based): chr19:620,037, C>T on the plus strand (G>A on the coding strand, the complement: POLRMT is on the minus strand). VCF-style: chr19-620037-C-T. GRCh37 (hg19) VCF-style: chr19-620037-C-T.
Other names: c.2807G>A, p.Arg936His (NM_001407805.1, NM_001407808.1, NM_001407812.1 and 3 more transcripts); c.2798G>A, p.Arg933His (NM_001407806.1, NM_001407809.1); c.2795G>A, p.Arg932His (NM_001407807.1, NM_001407810.1); c.2765G>A, p.Arg922His (NM_001407811.1, NM_001407813.1); c.2684G>A, p.Arg895His (NM_001407829.1); c.2582G>A, p.Arg861His (NM_001407830.1, NM_001407832.1); c.2483G>A, p.Arg828His (NM_001407831.1, NM_001407833.1, NM_001407835.1 and 1 more transcripts); c.2474G>A, p.Arg825His (NM_001407834.1); short protein forms R861H, R932H, R936H, R825H, R933H, R922H, R828H, R895H.
Identifiers: ClinVar variation 4526197 (VCV004526197.1).